The following is an entry in ClinVar:

ClinVar aggregate classification (germline): Uncertain significance (1 of 4 stars; one submission).

Conditions:
Cystic fibrosis (CF). Also called: MUCOVISCIDOSIS. Identifiers: Orphanet 586, MedGen C0010674, MONDO:0009061, OMIM 219700. Disease mechanism: loss of function.

Submission:

Ambry Genetics
Classification: Uncertain significance for Cystic fibrosis. Last evaluated: 2026-02-05. Review status: criteria provided, single submitter. Criteria: Ambry Variant Classification Scheme 2023. Collection method: clinical testing. Allele origin: germline.
Comment: The c.165-10T>G intronic variant results from a T to G substitution 10 nucleotides upstream from coding exon 3 in the CFTR gene. This nucleotide position is highly conserved in available vertebrate species. Using two different splice site prediction tools, this alteration is predicted by ESEfinder to weaken the efficiency of the native splice acceptor site, but is not predicted to have a deleterious effect on this splice acceptor site by BDGP; however, direct evidence is unavailable. Since supporting evidence is limited at this time, the clinical significance of this alteration remains unclear.

NM_000492.4(CFTR):c.165-10T>G

Genes: CFTR (CF transmembrane conductance regulator; plus strand), LOC113664106 (CFTR intron 2 DNase I hypersensitive site; plus strand). Cytogenetic location: 7q31.2.
Variant type: single nucleotide variant.
Coding change: c.165-10T>G on transcript NM_000492.4 (MANE Select); 10 bases into the intron before coding-DNA position 165, T replaced by G.
Molecular consequence: intron variant.
Genome position (GRCh38, 1-based): chr7:117,509,024, T>G. VCF-style: chr7-117509024-T-G. GRCh37 (hg19) VCF-style: chr7-117149078-T-G.
Identifiers: ClinVar variation 4841324 (VCV004841324.1), dbSNP rs397508248.
Genomic context (GRCh38, chr7:117,509,024, plus strand): 5'-TTAAGGGAAATAGGACAACTAAAATATTTGCACATGCAACTTATTGGTCCCACTTTTTAT[T>G]CTTTTGCAGAGAATGGGATAGAGAGCTGGCTTCAAAGAAAAATCCTAAACTCATTAATGC-3'